The following is an entry in ClinVar:

ClinVar aggregate classification (germline): Conflicting classifications of pathogenicity. Review status: criteria provided, conflicting classifications (1 of 4 stars). 2 submissions from 2 submitters: Uncertain significance (1); Likely benign (1). Last evaluated 2025-09-21.

Conditions:
Cardiovascular phenotype. Identifiers: MedGen CN230736.
Long QT syndrome (LQTS). Identifiers: MedGen C0023976, MeSH D008133, MONDO:0002442. Disease mechanism: loss of function. Inheritance: Various modes of inheritance.

Allele frequency attached by ClinVar (database versions not stated): gnomAD 0.00001; gnomAD exomes 0.00002; TOPMed 0.00002; ESP Exome Variant Server 0.00008.
gnomAD v4.1: 27 of 1,613,368 alleles (0.0017%); highest among the groups gnomAD compares: Middle Eastern, 0.016%; no homozygotes.

Submissions (2):

Labcorp Genetics (formerly Invitae), Labcorp
Classification: Likely benign for Long QT syndrome. Last evaluated: 2025-09-21. Review status: criteria provided, single submitter. Criteria: Invitae Variant Classification Sherloc (09022015). Collection method: clinical testing. Allele origin: germline.

Ambry Genetics
Classification: Uncertain significance for Cardiovascular phenotype. Last evaluated: 2024-07-10. Review status: criteria provided, single submitter. Criteria: Ambry Variant Classification Scheme 2023. Collection method: clinical testing. Allele origin: germline.
Comment: The c.8020-5T>C intronic variant results from a T to C substitution 5 nucleotides upstream from coding exon 32 in the AKAP9 gene. This nucleotide position is not well conserved in available vertebrate species. In silico splice site analysis predicts that this alteration will not have any significant effect on splicing. Since supporting evidence is limited at this time, the clinical significance of this alteration remains unclear.

NM_005751.5(AKAP9):c.8020-5T>C

Gene: AKAP9 (A-kinase anchoring protein 9; plus strand). Cytogenetic location: 7q21.2.
Variant type: single nucleotide variant.
Coding change: c.8020-5T>C on transcript NM_005751.5 (MANE Select); 5 bases into the intron before coding-DNA position 8020, T replaced by C.
Molecular consequence: intron variant.
Genome position (GRCh38, 1-based): chr7:92,082,517, T>C. VCF-style: chr7-92082517-T-C. GRCh37 (hg19) VCF-style: chr7-91711831-T-C.
Other names: c.7996-5T>C (NM_147185.3); c.2665-5T>C (NM_001379277.1).
Identifiers: ClinVar variation 519229 (VCV000519229.13), dbSNP rs375175124, ClinGen allele CA161886841.